The following is an entry in ClinVar:

ClinVar aggregate classification (germline): Uncertain significance (1 of 4 stars; one submission).

Conditions:
Gorlin syndrome. Also called: Nevoid Basal Cell Carcinoma Syndrome; Basal cell nevus syndrome. Identifiers: Orphanet 377, MedGen C0004779, MONDO:0007187.

Submission:

Labcorp Genetics (formerly Invitae), Labcorp
Classification: Uncertain significance for Gorlin syndrome. Last evaluated: 2024-05-01. Review status: criteria provided, single submitter. Criteria: Invitae Variant Classification Sherloc (09022015). Collection method: clinical testing. Allele origin: germline.
Comment: This sequence change replaces isoleucine, which is neutral and non-polar, with threonine, which is neutral and polar, at codon 815 of the PTCH1 protein (p.Ile815Thr). This variant is not present in population databases (gnomAD no frequency). This variant has not been reported in the literature in individuals affected with PTCH1-related conditions. Advanced modeling of protein sequence and biophysical properties (such as structural, functional, and spatial information, amino acid conservation, physicochemical variation, residue mobility, and thermodynamic stability) performed at Invitae indicates that this missense variant is not expected to disrupt PTCH1 protein function with a negative predictive value of 95%. In summary, the available evidence is currently insufficient to determine the role of this variant in disease. Therefore, it has been classified as a Variant of Uncertain Significance.

NM_000264.5(PTCH1):c.2444T>C (p.Ile815Thr)

Genes: PTCH1 (patched 1; minus strand), LOC100507346 (uncharacterized LOC100507346; plus strand). Cytogenetic location: 9q22.32.
Variant type: single nucleotide variant.
Coding change: c.2444T>C on transcript NM_000264.5 (MANE Select); coding-DNA position 2444, T replaced by C.
Protein change: p.Ile815Thr; replaces isoleucine 815 with threonine.
Molecular consequence: missense variant. On other transcripts: non-coding transcript variant (1).
Genome position (GRCh38, 1-based): chr9:95,467,232, A>G on the plus strand (T>C on the coding strand, the complement: PTCH1 is on the minus strand). VCF-style: chr9-95467232-A-G. GRCh37 (hg19) VCF-style: chr9-98229514-A-G.
Other names: c.1991T>C, p.Ile664Thr (NM_001083606.3, NM_001083607.3, NM_001083604.3 and 1 more transcripts); c.2288T>C, p.Ile763Thr (NM_001354918.2); c.2246T>C, p.Ile749Thr (NM_001083602.3); c.2441T>C, p.Ile814Thr (NM_001083603.3); short protein forms I664T, I815T, I749T, I763T, I814T.
Identifiers: ClinVar variation 3635846 (VCV003635846.2).
Genomic context (GRCh38, chr9:95,467,232, plus strand): 5'-TCCAACATGACATACTTCACGTTACTGAAACTCCTGTGTAGGTCGTAAAGTAAGTGCTGG[A>G]TATTCGGGTAGTCTGCTTTCTGGGTGACTATATACATGTTGTAGAAAGAAAAGTATTTGA-3'
Protein context (NP_000255.2, residues 805-825): IVTQKADYPN[Ile815Thr]QHLLYDLHRS